The following is an entry in ClinVar:

ClinVar aggregate classification (germline): Uncertain significance. Review status: criteria provided, multiple submitters, no conflicts (2 of 4 stars). 5 submissions from 5 submitters: Uncertain significance (5). Last evaluated 2025-10-02.

Conditions:
CDHR1-related disorder. Also called: CDHR1-related condition.
Cone-rod dystrophy 15 (CORD15). Identifiers: MedGen C3150912, MONDO:0013348, OMIM 613660.

Allele frequency attached by ClinVar (database versions not stated): TOPMed 0.00005; ExAC 0.00006; gnomAD exomes 0.00007 and 0.00008; ESP Exome Variant Server 0.00008; gnomAD 0.00008 and 0.00009.

Submissions (5):

PreventionGenetics, part of Exact Sciences
Classification: Uncertain significance for CDHR1-related condition. Last evaluated: 2025-10-02. Review status: criteria provided, single submitter. Criteria: ACMG Guidelines, 2015. Collection method: clinical testing. Allele origin: germline.
Comment: The CDHR1 c.720G>C variant is predicted to result in the amino acid substitution p.Gln240His. This variant was reported in individuals with retinal disease (supplementary data, Eisenberger et al. 2013. PubMed ID: 24265693; supplementary data, Griffith et al. 2022. PubMed ID: 36011402). This variant is reported in 0.013% of alleles in individuals of European (Non-Finnish) descent in gnomAD. At this time, the clinical significance of this variant is uncertain due to the absence of conclusive functional and genetic evidence.

Blueprint Genetics
Classification: Uncertain significance. Last evaluated: 2024-08-21. Review status: criteria provided, single submitter. Criteria: ACMG Guidelines, 2015. Collection method: clinical testing. Allele origin: germline.

Labcorp Genetics (formerly Invitae), Labcorp
Classification: Uncertain significance. Last evaluated: 2023-08-04. Review status: criteria provided, single submitter. Criteria: Invitae Variant Classification Sherloc (09022015). Collection method: clinical testing. Allele origin: germline.
Comment: This sequence change replaces glutamine, which is neutral and polar, with histidine, which is basic and polar, at codon 240 of the CDHR1 protein (p.Gln240His). The frequency data for this variant in the population databases is considered unreliable, as metrics indicate poor data quality at this position in the gnomAD database. This variant has not been reported in the literature in individuals affected with CDHR1-related conditions. ClinVar contains an entry for this variant (Variation ID: 879718). Advanced modeling of protein sequence and biophysical properties (such as structural, functional, and spatial information, amino acid conservation, physicochemical variation, residue mobility, and thermodynamic stability) has been performed at Invitae for this missense variant, however the output from this modeling did not meet the statistical confidence thresholds required to predict the impact of this variant on CDHR1 protein function. In summary, the available evidence is currently insufficient to determine the role of this variant in disease. Therefore, it has been classified as a Variant of Uncertain Significance.

Fulgent Genetics
Classification: Uncertain significance for Cone-rod dystrophy 15. Last evaluated: 2022-03-21. Review status: criteria provided, single submitter. Criteria: ACMG Guidelines, 2015. Collection method: clinical testing. Allele origin: unknown.

Illumina Laboratory Services, Illumina
Classification: Uncertain significance for Cone-rod dystrophy 15. Last evaluated: 2018-01-13. Review status: criteria provided, single submitter. Criteria: ICSL Variant Classification Criteria 13 December 2019. Collection method: clinical testing. Allele origin: germline.

NM_033100.4(CDHR1):c.720G>C (p.Gln240His)

Gene: CDHR1 (cadherin related family member 1; plus strand). Cytogenetic location: 10q23.1.
Variant type: single nucleotide variant.
Coding change: c.720G>C on transcript NM_033100.4 (MANE Select); coding-DNA position 720, G replaced by C.
Protein change: p.Gln240His; replaces glutamine 240 with histidine.
Molecular consequence: missense variant.
Genome position (GRCh38, 1-based): chr10:84,203,060, G>C. VCF-style: chr10-84203060-G-C. GRCh37 (hg19) VCF-style: chr10-85962816-G-C.
Other names: c.720G>C, p.Gln240His (NM_001171971.3); short protein forms Q240H.
Identifiers: ClinVar variation 879718 (VCV000879718.14), dbSNP rs149002238, ClinGen allele CA5579651.